The following is an entry in ClinVar:

ClinVar aggregate classification (germline): Uncertain significance. Review status: criteria provided, multiple submitters, no conflicts (2 of 4 stars). 2 submissions from 2 submitters: Uncertain significance (2). Last evaluated 2024-04-01.

Conditions:
Glomerulopathy with fibronectin deposits 2 (GFND2). Identifiers: Orphanet 84090, MedGen C1866075, MONDO:0011165, OMIM 601894.
Spondylometaphyseal dysplasia - Sutcliffe type. Also called: Sutcliffe type of spondylometaphyseal dysplasia; Sutcliffe SMD; Spondylometaphyseal Dysplasia, Corner Fracture Type; Spondylometaphyseal dysplasia, 'corner fracture' type. Identifiers: Orphanet 93315, MedGen C0432221, MONDO:0008479, OMIM 184255.

Allele frequency attached by ClinVar (database versions not stated): ExAC 0.00003; TOPMed 0.00003.
gnomAD v4.1: 57 of 1,580,050 alleles (0.0036%); highest among the groups gnomAD compares: Non-Finnish European, 0.0046%; no homozygotes.

Submissions (2):

Labcorp Genetics (formerly Invitae), Labcorp
Classification: Uncertain significance. Last evaluated: 2024-04-01. Review status: criteria provided, single submitter. Criteria: Invitae Variant Classification Sherloc (09022015). Collection method: clinical testing. Allele origin: germline.
Comment: This sequence change replaces glycine, which is neutral and non-polar, with arginine, which is basic and polar, at codon 2390 of the FN1 protein (p.Gly2390Arg). The frequency data for this variant in the population databases is considered unreliable, as metrics indicate poor data quality at this position in the gnomAD database. This variant has not been reported in the literature in individuals affected with FN1-related conditions. An algorithm developed to predict the effect of missense changes on protein structure and function (PolyPhen-2) suggests that this variant is likely to be disruptive. In summary, the available evidence is currently insufficient to determine the role of this variant in disease. Therefore, it has been classified as a Variant of Uncertain Significance.

Fulgent Genetics
Classification: Uncertain significance for Spondylometaphyseal dysplasia - Sutcliffe type; Glomerulopathy with fibronectin deposits 2. Last evaluated: 2024-01-09. Review status: criteria provided, single submitter. Criteria: ACMG Guidelines, 2015. Collection method: clinical testing. Allele origin: germline.

NM_212482.4(FN1):c.7168G>A (p.Gly2390Arg)

Genes: ATIC (5-aminoimidazole-4-carboxamide ribonucleotide formyltransferase/IMP cyclohydrolase; plus strand), FN1 (fibronectin 1; minus strand). Cytogenetic location: 2q35.
Variant type: single nucleotide variant.
Coding change: c.7168G>A on transcript NM_212482.4 (MANE Select); coding-DNA position 7168, G replaced by A.
Protein change: p.Gly2390Arg; replaces glycine 2390 with arginine.
Molecular consequence: missense variant.
Genome position (GRCh38, 1-based): chr2:215,364,962, C>T on the plus strand (G>A on the coding strand, the complement: FN1 is on the minus strand). VCF-style: chr2-215364962-C-T. GRCh37 (hg19) VCF-style: chr2-216229685-C-T.
Other names: c.7075G>A, p.Gly2359Arg (NM_001306129.2); c.6538G>A, p.Gly2180Arg (NM_001306130.2); c.6532G>A, p.Gly2178Arg (NM_001306131.2); c.6457G>A, p.Gly2153Arg (NM_001306132.2); c.6898G>A, p.Gly2300Arg (NM_001365517.2); c.6895G>A, p.Gly2299Arg (NM_001365518.2); c.6823G>A, p.Gly2275Arg (NM_001365519.2); c.6820G>A, p.Gly2274Arg (NM_001365520.2); and 8 more; short protein forms G2089R, G2153R, G2243R, G2275R, G2390R, G2184R, G2209R, G2178R.
Identifiers: ClinVar variation 2896250 (VCV002896250.4), dbSNP rs755450997, ClinGen allele CA2093628.
Genomic context (GRCh38, chr2:215,364,962, plus strand): 5'-AGGAGCAAATGGCACCGAGATATTCCTTCTGCCACTGTTCTCCTACGTGGTATGTCTTCC[C>T]ATCATCATAACACGTTGCCTCATCTGCATATAGACACAAGACAGATGCACGCATAAGCTG-3'
Protein context (NP_997647.2, residues 2380-2400): DPHEATCYDD[Gly2390Arg]KTYHVGEQWQ